The following is an entry in ClinVar:

ClinVar aggregate classification (germline): Uncertain significance. Review status: criteria provided, multiple submitters, no conflicts (2 of 4 stars). 2 submissions from 2 submitters: Uncertain significance (2). Last evaluated 2024-05-14.

Conditions:
Multiple endocrine neoplasia, type 2 (MEN2). Identifiers: Orphanet 653, MedGen C4048306, MONDO:0019003. Disease mechanism: gain of function.

Allele frequency attached by ClinVar (database versions not stated): gnomAD exomes below 0.00001; TOPMed below 0.00001; ESP Exome Variant Server 0.00008.
gnomAD v4.1: 5 of 1,614,222 alleles (0.00031%); highest among the groups gnomAD compares: East Asian, 0.0022%; no homozygotes.

Submissions (2):

All of Us Research Program, National Institutes of Health
Classification: Uncertain significance for Multiple endocrine neoplasia, type 2. Last evaluated: 2024-05-14. Review status: criteria provided, single submitter. Criteria: ACMG Guidelines, 2015. Collection method: clinical testing. Allele origin: germline. Inheritance: Autosomal dominant inheritance. Observed: 3 variant alleles, 3 heterozygotes.
Comment: This missense variant replaces glutamic acid with lysine at codon 169 of the RET protein. Computational prediction suggests that this variant may not impact protein structure and function (internally defined REVEL score threshold <= 0.5, PMID: 27666373). To our knowledge, functional studies have not been reported for this variant. This variant has not been reported in individuals affected with RET-related disorders in the literature. This variant has not been identified in the general population by the Genome Aggregation Database (gnomAD). The available evidence is insufficient to determine the role of this variant in disease conclusively. Therefore, this variant is classified as a Variant of Uncertain Significance.

This study involves interpretation of variants in research participants for the purpose of population health screening. Participant phenotype was not available at the time of variant classification. Additional details can be found in publication PMID: 35346344, PMCID: PMC8962531

Labcorp Genetics (formerly Invitae), Labcorp
Classification: Uncertain significance for Multiple endocrine neoplasia, type 2. Last evaluated: 2023-08-20. Review status: criteria provided, single submitter. Criteria: Invitae Variant Classification Sherloc (09022015). Collection method: clinical testing. Allele origin: germline.
Comment: An algorithm developed to predict the effect of missense changes on protein structure and function (PolyPhen-2) suggests that this variant is likely to be tolerated. This variant has not been reported in the literature in individuals affected with RET-related conditions. This variant is not present in population databases (gnomAD no frequency). This sequence change replaces glutamic acid, which is acidic and polar, with lysine, which is basic and polar, at codon 169 of the RET protein (p.Glu169Lys). In summary, the available evidence is currently insufficient to determine the role of this variant in disease. Therefore, it has been classified as a Variant of Uncertain Significance.

NM_020975.6(RET):c.505G>A (p.Glu169Lys)

Gene: RET (ret proto-oncogene; plus strand). Cytogenetic location: 10q11.21.
Variant type: single nucleotide variant.
Coding change: c.505G>A on transcript NM_020975.6 (MANE Select); coding-DNA position 505, G replaced by A.
Protein change: p.Glu169Lys; replaces glutamic acid 169 with lysine.
Molecular consequence: missense variant. On other transcripts: intron variant (15).
Genome position (GRCh38, 1-based): chr10:43,102,509, G>A. VCF-style: chr10-43102509-G-A. GRCh37 (hg19) VCF-style: chr10-43597957-G-A.
Other names: c.505G>A, p.Glu169Lys (NM_000323.2, NM_001406743.1, NM_001406744.1 and 16 more transcripts); c.376G>A, p.Glu126Lys (NM_001406761.1, NM_001406762.1, NM_001406764.1 and 4 more transcripts); c.337+1787G>A (NM_001406778.1, NM_001406775.1, NM_001406776.1 and 8 more transcripts); c.74-6522G>A (NM_001406784.1); c.74-9590G>A (NM_001406794.1, NM_001406792.1, NM_001406793.1); short protein forms E126K, E169K.
Identifiers: ClinVar variation 2806256 (VCV002806256.5), dbSNP rs374514956, ClinGen allele CA206256156.